The following is an entry in ClinVar:

NM_017780.4(CHD7):c.7745G>A (p.Gly2582Glu)

Gene: CHD7 (chromodomain helicase DNA binding protein 7; plus strand). Cytogenetic location: 8q12.2.
Variant type: single nucleotide variant.
Coding change: c.7745G>A on transcript NM_017780.4 (MANE Select); coding-DNA position 7745, G replaced by A.
Protein change: p.Gly2582Glu; replaces glycine 2582 with glutamic acid.
Molecular consequence: missense variant. On other transcripts: intron variant (1).
Genome position (GRCh38, 1-based): chr8:60,861,040, G>A. VCF-style: chr8-60861040-G-A. GRCh37 (hg19) VCF-style: chr8-61773599-G-A.
Other names: c.1717-1189G>A (NM_001316690.1); short protein forms G2582E.
Identifiers: ClinVar variation 851662 (VCV000851662.8), dbSNP rs1408626113, ClinGen allele CA371304599.
Genomic context (GRCh38, chr8:60,861,040, plus strand): 5'-AGCTGGACCCAGACACACGGATCCCTGTTATCAATCTTGAAGATGGGACTAGGCTGGTGG[G>A]GGAAGATGCTCCTAAAAATAAGGATTTAGTTGAATGGCTGAAGCTGCACCCTACTTACAC-3'
Protein context (NP_060250.2, residues 2572-2592): INLEDGTRLV[Gly2582Glu]EDAPKNKDLV

ClinVar aggregate classification (germline): Uncertain significance. Review status: criteria provided, single submitter (1 of 4 stars). 2 submissions from 2 submitters: Uncertain significance (1). 1 of the submissions does not count toward it. Last evaluated 2026-01-24.

Conditions:
CHD7-related disorder. Also called: CHD7-related condition.
CHARGE syndrome (CHARGE). Also called: CHARGE ASSOCIATION--COLOBOMA, HEART ANOMALY, CHOANAL ATRESIA, RETARDATION, GENITAL AND EAR ANOMALIES; Coloboma, heart anomaly, choanal atresia, retardation, genital and ear anomalies; CHARGE association; Hall-Hittner syndrome; Hittner Hirsch Kreh syndrome. Identifiers: Orphanet 138, MedGen C0265354, MONDO:0008965.

gnomAD v4.1: 2 of 1,613,970 alleles (0.00012%); highest among the groups gnomAD compares: Middle Eastern, 0.016%; no homozygotes.

Submissions (2):

Labcorp Genetics (formerly Invitae), Labcorp
Classification: Uncertain significance for CHARGE syndrome. Last evaluated: 2026-01-24. Review status: criteria provided, single submitter. Criteria: Invitae Variant Classification Sherloc (09022015). Collection method: clinical testing. Allele origin: germline.
Comment: This sequence change replaces glycine, which is neutral and non-polar, with glutamic acid, which is acidic and polar, at codon 2582 of the CHD7 protein (p.Gly2582Glu). This variant is not present in population databases (gnomAD no frequency). This variant has not been reported in the literature in individuals affected with CHD7-related conditions. ClinVar contains an entry for this variant (Variation ID: 851662). Invitae Evidence Modeling of protein sequence and biophysical properties (such as structural, functional, and spatial information, amino acid conservation, physicochemical variation, residue mobility, and thermodynamic stability) indicates that this missense variant is not expected to disrupt CHD7 protein function with a negative predictive value of 95%. In summary, the available evidence is currently insufficient to determine the role of this variant in disease. Therefore, it has been classified as a Variant of Uncertain Significance.

PreventionGenetics, part of Exact Sciences
Classification: Uncertain significance for CHD7-related condition. Last evaluated: 2024-07-26. Review status: no assertion criteria provided. Collection method: clinical testing. Allele origin: germline. Not counted in ClinVar's aggregate classification.
Comment: The CHD7 c.7745G>A variant is predicted to result in the amino acid substitution p.Gly2582Glu. To our knowledge, this variant has not been reported in the literature or in a large population database, indicating this variant is rare. At this time, the clinical significance of this variant is uncertain due to the absence of conclusive functional and genetic evidence.